The following is an entry in ClinVar:

ClinVar aggregate classification (germline): Uncertain significance (1 of 4 stars; one submission).

Conditions:
Neuroblastoma, susceptibility to, 3. Also called: ALK-Related Neuroblastic Tumor Susceptibility. Identifiers: Orphanet 635, MedGen C2751681, MONDO:0013083, OMIM 613014.

Submission:

Labcorp Genetics (formerly Invitae), Labcorp
Classification: Uncertain significance for Neuroblastoma, susceptibility to, 3. Last evaluated: 2024-01-05. Review status: criteria provided, single submitter. Criteria: Invitae Variant Classification Sherloc (09022015). Collection method: clinical testing. Allele origin: germline.
Comment: This sequence change creates a premature translational stop signal (p.Cys990*) in the ALK gene. It is expected to result in an absent or disrupted protein product. However, the current clinical and genetic evidence is not sufficient to establish whether loss-of-function variants in ALK cause disease. This variant is not present in population databases (gnomAD no frequency). This variant has not been reported in the literature in individuals affected with ALK-related conditions. Algorithms developed to predict the effect of sequence changes on RNA splicing suggest that this variant may disrupt the consensus splice site. In summary, the available evidence is currently insufficient to determine the role of this variant in disease. Therefore, it has been classified as a Variant of Uncertain Significance.

NM_004304.5(ALK):c.2970_2971del (p.Cys990_Glu991delinsTer)

Gene: ALK (ALK receptor tyrosine kinase; minus strand). Cytogenetic location: 2p23.2.
Variant type: Microsatellite.
Coding change: c.2970_2971del on transcript NM_004304.5 (MANE Select); coding-DNA positions 2970 to 2971, 2 bases deleted (TG; older notation c.2970_2971delTG).
Protein change: p.Cys990_Glu991delinsTer.
Molecular consequence: nonsense.
Genome position (GRCh38, 1-based): chr2:29,227,018-29,227,019, CA deleted on the plus strand (TG on the coding strand, the reverse complement: ALK is on the minus strand); deleting any 2 consecutive bases within chr2:29,227,018-29,227,021 gives the same sequence; the c. name uses the placement nearest the transcript's 3' end. VCF-style (leftmost placement, unchanged base first): chr2-29227017-TCA-T. GRCh37 (hg19) VCF-style: chr2-29449883-TCA-T.
Identifiers: ClinVar variation 2707730 (VCV002707730.3), dbSNP rs2465971304, ClinGen allele CA2697547961.
Genomic context (GRCh38, chr2:29,227,017, plus strand): 5'-CCGTGGTCACAGAAGCAGATGACCTTGTGGCTTTCAGGGTCCATGTGACATTCGTCTACC[TCA>T]CAGTGACTGCAGTTTAGATAATGCTTAATATTCACTTCCCCGTGGCCTTCCATCACTAGT-3'